The following is an entry in ClinVar:

NM_024577.4(SH3TC2):c.138G>C (p.Gln46His)

Gene: SH3TC2 (SH3 domain and tetratricopeptide repeats 2; minus strand). Cytogenetic location: 5q32.
Variant type: single nucleotide variant.
Coding change: c.138G>C on transcript NM_024577.4 (MANE Select); coding-DNA position 138, G replaced by C.
Protein change: p.Gln46His; replaces glutamine 46 with histidine.
Molecular consequence: missense variant.
Genome position (GRCh38, 1-based): chr5:149,052,155, C>G on the plus strand (G>C on the coding strand, the complement: SH3TC2 is on the minus strand). VCF-style: chr5-149052155-C-G. GRCh37 (hg19) VCF-style: chr5-148431718-C-G.
Other names: short protein forms Q46H.
Identifiers: ClinVar variation 3703703 (VCV003703703.2).

ClinVar aggregate classification (germline): Uncertain significance (1 of 4 stars; one submission).

Conditions:
Charcot-Marie-Tooth disease type 4. Also called: Charcot-Marie-Tooth disease, type IV; Charcot-Marie-Tooth, Type 4. Identifiers: Orphanet 64749, MedGen C4082197, MONDO:0018995.

gnomAD v4.1: 5 of 1,610,336 alleles (0.00031%); highest among the groups gnomAD compares: Non-Finnish European, 0.00042%; no homozygotes.

Submission:

Labcorp Genetics (formerly Invitae), Labcorp
Classification: Uncertain significance for Charcot-Marie-Tooth disease type 4. Last evaluated: 2024-03-15. Review status: criteria provided, single submitter. Criteria: Invitae Variant Classification Sherloc (09022015). Collection method: clinical testing. Allele origin: germline.
Comment: This sequence change replaces glutamine, which is neutral and polar, with histidine, which is basic and polar, at codon 46 of the SH3TC2 protein (p.Gln46His). This variant is not present in population databases (gnomAD no frequency). This missense change has been observed in individual(s) with Charcot-Marie-Tooth disease (PMID: 31827005). Advanced modeling of protein sequence and biophysical properties (such as structural, functional, and spatial information, amino acid conservation, physicochemical variation, residue mobility, and thermodynamic stability) performed at Invitae indicates that this missense variant is not expected to disrupt SH3TC2 protein function with a negative predictive value of 95%. In summary, the available evidence is currently insufficient to determine the role of this variant in disease. Therefore, it has been classified as a Variant of Uncertain Significance.

Literature cited by the submitters: PubMed 31827005.